The following is an entry in ClinVar:

ClinVar aggregate classification (germline): Likely benign (1 of 4 stars; one submission).

gnomAD v4.1: 2 of 1,601,010 alleles (0.00012%); highest among the groups gnomAD compares: Non-Finnish European, 0.00017%; no homozygotes.

Submission:

Women's Health and Genetics/Laboratory Corporation of America, LabCorp
Classification: Likely benign. Last evaluated: 2025-11-11. Review status: criteria provided, single submitter. Criteria: LabCorp Variant Classification Summary - May 2015. Collection method: clinical testing. Allele origin: germline.
Comment: Variant summary: SCN4A c.1101-13G>A alters a non-conserved nucleotide located at a position not widely known to affect splicing. Consensus agreement among computation tools predict no significant impact on normal splicing. However, these predictions have yet to be confirmed by functional studies. The frequency data for this variant in gnomAD is considered unreliable, as metrics indicate poor data quality at this position. To our knowledge, no occurrence of c.1101-13G>A in individuals affected with SCN4A-related conditions and no experimental evidence demonstrating its impact on protein function have been reported. No submitters have cited clinical-significance assessments for this variant to ClinVar. Based on the evidence outlined above, the variant was classified as likely benign.

NM_000334.4(SCN4A):c.1101-13G>A

Gene: SCN4A (sodium voltage-gated channel alpha subunit 4; minus strand). Cytogenetic location: 17q23.3.
Variant type: single nucleotide variant.
Coding change: c.1101-13G>A on transcript NM_000334.4 (MANE Select); 13 bases into the intron before coding-DNA position 1101, G replaced by A.
Molecular consequence: intron variant.
Genome position (GRCh38, 1-based): chr17:63,966,256, C>T on the plus strand (G>A on the coding strand, the complement: SCN4A is on the minus strand). VCF-style: chr17-63966256-C-T. GRCh37 (hg19) VCF-style: chr17-62043616-C-T.
Identifiers: ClinVar variation 4536872 (VCV004536872.1).
Genomic context (GRCh38, chr17:63,966,256, plus strand): 5'-TTGGGGTTCCGCCCGGTCTTGATGCACTCATAACCCTCAGGGCAGTGCCTAGGAATAGGA[C>T]AGGGGGCTGGGTTTAGGGTGGGAGGAGCACTCCAGCTGGGGGCAGATAGGGACCCCAAGG-3'